The following is an entry in ClinVar:

ClinVar aggregate classification (germline): Uncertain significance. Review status: criteria provided, multiple submitters, no conflicts (2 of 4 stars). 2 submissions from 2 submitters: Uncertain significance (2). Last evaluated 2022-02-23.

Allele frequency attached by ClinVar (database versions not stated): gnomAD 0.00001; gnomAD exomes 0.00001 and 0.00002; ExAC 0.00002; TOPMed 0.00002; ESP Exome Variant Server 0.00008.
gnomAD v4.1: 41 of 1,613,258 alleles (0.0025%); highest among the groups gnomAD compares: Non-Finnish European, 0.0028%; no homozygotes.

Submissions (2):

Labcorp Genetics (formerly Invitae), Labcorp
Classification: Uncertain significance. Last evaluated: 2022-02-23. Review status: criteria provided, single submitter. Criteria: Invitae Variant Classification Sherloc (09022015). Collection method: clinical testing. Allele origin: germline.
Comment: This sequence change affects codon 23 of the ATF6 mRNA. It is a 'silent' change, meaning that it does not change the encoded amino acid sequence of the ATF6 protein. This variant is present in population databases (rs149825732, gnomAD 0.002%). This variant has not been reported in the literature in individuals affected with ATF6-related conditions. ClinVar contains an entry for this variant (Variation ID: 971245). Algorithms developed to predict the effect of sequence changes on RNA splicing suggest that this variant may create or strengthen a splice site. In summary, the available evidence is currently insufficient to determine the role of this variant in disease. Therefore, it has been classified as a Variant of Uncertain Significance.

Blueprint Genetics
Classification: Uncertain significance. Last evaluated: 2022-02-03. Review status: criteria provided, single submitter. Criteria: ACMG Guidelines, 2015. Collection method: clinical testing. Allele origin: germline.

NM_007348.4(ATF6):c.67C>T (p.Leu23=)

Gene: ATF6 (activating transcription factor 6; plus strand). Cytogenetic location: 1q23.3.
Variant type: single nucleotide variant.
Coding change: c.67C>T on transcript NM_007348.4 (MANE Select); coding-DNA position 67, C replaced by T.
Protein change: p.Leu23=; no amino-acid change (leucine 23 retained).
Molecular consequence: synonymous variant.
Genome position (GRCh38, 1-based): chr1:161,766,427, C>T. VCF-style: chr1-161766427-C-T. GRCh37 (hg19) VCF-style: chr1-161736217-C-T.
Identifiers: ClinVar variation 971245 (VCV000971245.5), dbSNP rs149825732, ClinGen allele CA1214075.
Genomic context (GRCh38, chr1:161,766,427, plus strand): 5'-GAGCCGGCTGGGGTTGCCGGCACCATGGAGTCACCTTTTAGCCCGGGACTCTTTCACAGG[C>T]TGGATGAAGATTGGGGTGAGTGGGATCTGAGAATGTACCAGGGTGGCTCGGGTTCGCGTC-3'
Protein context (NP_031374.2, residues 13-33): SPFSPGLFHR[Leu23=]DEDWDSALFA